The following is an entry in ClinVar:

NM_000785.4(CYP27B1):c.289_303del (p.Leu97_Glu101del)

Gene: CYP27B1 (cytochrome P450 family 27 subfamily B member 1; minus strand). Cytogenetic location: 12q14.1.
Variant type: Deletion.
Coding change: c.289_303del on transcript NM_000785.4 (MANE Select); coding-DNA positions 289 to 303, 15 bases deleted (CTGCTGCGACAGGAG).
Protein change: p.Leu97_Glu101del.
Molecular consequence: inframe deletion.
Genome position (GRCh38, 1-based): chr12:57,766,090-57,766,104, CTCCTGTCGCAGCAG deleted on the plus strand (CTGCTGCGACAGGAG on the coding strand, the reverse complement: CYP27B1 is on the minus strand); deleting any 15 consecutive bases within chr12:57,766,090-57,766,109 gives the same sequence; the c. name uses the placement nearest the transcript's 3' end. VCF-style (leftmost placement, unchanged base first): chr12-57766089-CCTCCTGTCGCAGCAG-C. GRCh37 (hg19) VCF-style: chr12-58159872-CCTCCTGTCGCAGCAG-C.
Identifiers: ClinVar variation 2137383 (VCV002137383.2), dbSNP rs2540918290, ClinGen allele CA2575206632.

ClinVar aggregate classification (germline): Uncertain significance (1 of 4 stars; one submission).

Submission:

Labcorp Genetics (formerly Invitae), Labcorp
Classification: Uncertain significance. Last evaluated: 2025-08-18. Review status: criteria provided, single submitter. Criteria: Invitae Variant Classification Sherloc (09022015). Collection method: clinical testing. Allele origin: germline.
Comment: This variant, c.289_303del, results in the deletion of 5 amino acid(s) of the CYP27B1 protein (p.Leu97_Glu101del), but otherwise preserves the integrity of the reading frame. This variant is not present in population databases (gnomAD no frequency). This variant has been observed in individual(s) with vitamin D-dependent rickets type 1 (PMID: 21700898). ClinVar contains an entry for this variant (Variation ID: 2137383). Experimental studies and prediction algorithms are not available or were not evaluated, and the functional significance of this variant is currently unknown. In summary, the available evidence is currently insufficient to determine the role of this variant in disease. Therefore, it has been classified as a Variant of Uncertain Significance.

Literature cited by the submitters: PubMed 21700898.